The following is an entry in ClinVar:

NM_001018113.3(FANCB):c.64G>A (p.Val22Ile)

Gene: FANCB (FA complementation group B; minus strand). Cytogenetic location: Xp22.2.
Variant type: single nucleotide variant.
Coding change: c.64G>A on transcript NM_001018113.3 (MANE Select); coding-DNA position 64, G replaced by A.
Protein change: p.Val22Ile; replaces valine 22 with isoleucine.
Molecular consequence: missense variant. On other transcripts: non-coding transcript variant (1).
Genome position (GRCh38, 1-based): chrX:14,865,447, C>T on the plus strand (G>A on the coding strand, the complement: FANCB is on the minus strand). VCF-style: chrX-14865447-C-T. GRCh37 (hg19) VCF-style: chrX-14883569-C-T.
Other names: c.64G>A, p.Val22Ile (NM_001324162.2, NM_001410764.1, NM_152633.4); short protein forms V22I.
Identifiers: ClinVar variation 1940373 (VCV001940373.6), dbSNP rs2092465386, ClinGen allele CA412445368.
Genomic context (GRCh38, chrX:14,865,447, plus strand): 5'-TGGGTGTTTTTGTAGGCTCTTTATCTGCAAAATTTCCTTTAGACAACTGGAAAACAAGGA[C>T]TTCCCCATTATAACACAAGAGCCTTTCTTGTTCGTTAGATGACATTGCTTGTTTGCTAGT-3'
Protein context (NP_001018123.1, residues 12-32): QERLLCYNGE[Val22Ile]LVFQLSKGNF

ClinVar aggregate classification (germline): Uncertain significance. Review status: criteria provided, multiple submitters, no conflicts (2 of 4 stars). 2 submissions from 2 submitters: Uncertain significance (2). Last evaluated 2025-02-19.

Conditions:
Inborn genetic diseases. Identifiers: MedGen C0950123, MeSH D030342.
Fanconi anemia (FA). Also called: Fanconi's anemia. Identifiers: Orphanet 84, MedGen C0015625, MeSH D005199, MONDO:0019391.

Allele frequency attached by ClinVar (database versions not stated): gnomAD exomes below 0.00001; gnomAD 0.00001.
gnomAD v4.1: 4 of 1,208,696 alleles (0.00033%); highest among the groups gnomAD compares: Non-Finnish European, 0.00045%; no homozygotes.

Submissions (2):

Labcorp Genetics (formerly Invitae), Labcorp
Classification: Uncertain significance for Fanconi anemia. Last evaluated: 2025-02-19. Review status: criteria provided, single submitter. Criteria: Invitae Variant Classification Sherloc (09022015). Collection method: clinical testing. Allele origin: germline.
Comment: This sequence change replaces valine, which is neutral and non-polar, with isoleucine, which is neutral and non-polar, at codon 22 of the FANCB protein (p.Val22Ile). This variant is not present in population databases (gnomAD no frequency). This variant has not been reported in the literature in individuals affected with FANCB-related conditions. ClinVar contains an entry for this variant (Variation ID: 1940373). Invitae Evidence Modeling of protein sequence and biophysical properties (such as structural, functional, and spatial information, amino acid conservation, physicochemical variation, residue mobility, and thermodynamic stability) indicates that this missense variant is not expected to disrupt FANCB protein function with a negative predictive value of 80%. In summary, the available evidence is currently insufficient to determine the role of this variant in disease. Therefore, it has been classified as a Variant of Uncertain Significance.

Ambry Genetics
Classification: Uncertain significance for Inborn genetic diseases. Last evaluated: 2023-11-13. Review status: criteria provided, single submitter. Criteria: Ambry Variant Classification Scheme 2023. Collection method: clinical testing. Allele origin: germline.